The following is an entry in ClinVar:

NM_198488.5(FAM83H):c.612+1G>A

Gene: FAM83H (family with sequence similarity 83 member H; minus strand). Cytogenetic location: 8q24.3.
Variant type: single nucleotide variant.
Coding change: c.612+1G>A on transcript NM_198488.5 (MANE Select); the canonical splice donor site of the intron after coding-DNA position 612, G replaced by A.
Molecular consequence: splice donor variant.
Genome position (GRCh38, 1-based): chr8:143,729,158, C>T on the plus strand (G>A on the coding strand, the complement: FAM83H is on the minus strand). VCF-style: chr8-143729158-C-T. GRCh37 (hg19) VCF-style: chr8-144811328-C-T.
Identifiers: ClinVar variation 4680885 (VCV004680885.1).

ClinVar aggregate classification (germline): Uncertain significance (1 of 4 stars; one submission).

Submission:

GeneDx
Classification: Uncertain significance. Last evaluated: 2025-07-02. Review status: criteria provided, single submitter. Criteria: GeneDx Variant Classification Process June 2021. Collection method: clinical testing. Allele origin: germline. Affected: yes.
Comment: Not observed at significant frequency in large population cohorts (gnomAD); Canonical splice site variant with an unclear effect on protein function; Has not been previously published as pathogenic or benign to our knowledge